The following is an entry in ClinVar:

ClinVar aggregate classification (germline): Uncertain significance. Review status: criteria provided, multiple submitters, no conflicts (2 of 4 stars). 2 submissions from 2 submitters: Uncertain significance (2). Last evaluated 2025-12-31.

Allele frequency attached by ClinVar (database versions not stated): ExAC 0.00064; TOPMed 0.00068; gnomAD 0.00070; ESP Exome Variant Server 0.00077.
gnomAD v4.1: 2,184 of 1,613,872 alleles (0.14%); highest among the groups gnomAD compares: Non-Finnish European, 0.18%; 1 homozygote.

Submissions (2):

Labcorp Genetics (formerly Invitae), Labcorp
Classification: Uncertain significance. Last evaluated: 2025-12-31. Review status: criteria provided, single submitter. Criteria: Invitae Variant Classification Sherloc (09022015). Collection method: clinical testing. Allele origin: germline.
Comment: This sequence change replaces glutamic acid, which is acidic and polar, with lysine, which is basic and polar, at codon 492 of the FBN3 protein (p.Glu492Lys). This variant is present in population databases (rs143434557, gnomAD 0.1%), and has an allele count higher than expected for a pathogenic variant. This variant has not been reported in the literature in individuals affected with FBN3-related conditions. ClinVar contains an entry for this variant (Variation ID: 808437). Invitae Evidence Modeling of protein sequence and biophysical properties (such as structural, functional, and spatial information, amino acid conservation, physicochemical variation, residue mobility, and thermodynamic stability) indicates that this missense variant is expected to disrupt FBN3 protein function with a positive predictive value of 80%. In summary, the available evidence is currently insufficient to determine the role of this variant in disease. Therefore, it has been classified as a Variant of Uncertain Significance.

CeGaT Center for Human Genetics Tuebingen
Classification: Uncertain significance. Last evaluated: 2018-08-01. Review status: criteria provided, single submitter. Criteria: CeGaT Center For Human Genetics Tuebingen Variant Classification Criteria Version 2. Collection method: clinical testing. Allele origin: germline. Affected: yes. Observed: 1 variant allele.

NM_032447.5(FBN3):c.1474G>A (p.Glu492Lys)

Gene: FBN3 (fibrillin 3; minus strand). Cytogenetic location: 19p13.2.
Variant type: single nucleotide variant.
Coding change: c.1474G>A on transcript NM_032447.5 (MANE Select); coding-DNA position 1474, G replaced by A.
Protein change: p.Glu492Lys; replaces glutamic acid 492 with lysine.
Molecular consequence: missense variant.
Genome position (GRCh38, 1-based): chr19:8,136,078, C>T on the plus strand (G>A on the coding strand, the complement: FBN3 is on the minus strand). VCF-style: chr19-8136078-C-T. GRCh37 (hg19) VCF-style: chr19-8200962-C-T.
Other names: c.1474G>A, p.Glu492Lys (NM_001321431.2); short protein forms E492K.
Identifiers: ClinVar variation 808437 (VCV000808437.46), dbSNP rs143434557, ClinGen allele CA9153290.